The following is an entry in ClinVar:

NM_020843.4(SCAPER):c.3743G>A (p.Arg1248Gln)

Gene: SCAPER (S-phase cyclin A associated protein in the ER; minus strand). Cytogenetic location: 15q24.3.
Variant type: single nucleotide variant.
Coding change: c.3743G>A on transcript NM_020843.4 (MANE Select); coding-DNA position 3743, G replaced by A.
Protein change: p.Arg1248Gln; replaces arginine 1248 with glutamine.
Molecular consequence: missense variant. On other transcripts: non-coding transcript variant (1).
Genome position (GRCh38, 1-based): chr15:76,376,274, C>T on the plus strand (G>A on the coding strand, the complement: SCAPER is on the minus strand). VCF-style: chr15-76376274-C-T. GRCh37 (hg19) VCF-style: chr15-76668615-C-T.
Other names: c.3005G>A, p.Arg1002Gln (NM_001145923.2); c.3761G>A, p.Arg1254Gln (NM_001353009.2); c.3341G>A, p.Arg1114Gln (NM_001353010.2, NM_001353012.2); c.3359G>A, p.Arg1120Gln (NM_001353011.2); c.3761G>A (NM_001353009.1); short protein forms R1120Q, R1254Q, R1002Q, R1114Q, R1248Q.
Identifiers: ClinVar variation 4925927 (VCV004925927.2).

ClinVar aggregate classification (germline): Uncertain significance. Review status: criteria provided, multiple submitters, no conflicts (2 of 4 stars). 2 submissions from 2 submitters: Uncertain significance (2). Last evaluated 2026-07-28.

Conditions:
SCAPER-related disorder. Also called: SCAPER-related condition.

gnomAD v4.1: 7 of 1,613,588 alleles (0.00043%); highest among the groups gnomAD compares: Non-Finnish European, 0.00059%; no homozygotes.

Submissions (2):

PreventionGenetics, part of Exact Sciences
Classification: Uncertain significance for SCAPER-related condition. Last evaluated: 2026-07-28. Review status: criteria provided, single submitter. Criteria: ACMG Guidelines, 2015. Collection method: clinical testing. Allele origin: germline.
Comment: The SCAPER c.3761G>A variant is predicted to result in the amino acid substitution p.Arg1254Gln. To our knowledge, this variant has not been reported in the literature. This variant is reported in 0.0016% of alleles in individuals of European (Non-Finnish) descent in gnomAD. At this time, the clinical significance of this variant is uncertain due to the absence of conclusive functional and genetic evidence.

Blueprint Genetics
Classification: Uncertain significance. Last evaluated: 2022-04-20. Review status: criteria provided, single submitter. Criteria: ACMG Guidelines, 2015. Collection method: clinical testing. Allele origin: germline.